The following is an entry in ClinVar:

NM_001303256.3(MORC2):c.1924C>T (p.Arg642Ter)

Gene: MORC2 (MORC family CW-type zinc finger 2; minus strand). Cytogenetic location: 22q12.2.
Variant type: single nucleotide variant.
Coding change: c.1924C>T on transcript NM_001303256.3 (MANE Select); coding-DNA position 1924, C replaced by T.
Protein change: p.Arg642Ter; replaces arginine 642 with a stop codon.
Molecular consequence: nonsense.
Genome position (GRCh38, 1-based): chr22:30,935,050, G>A on the plus strand (C>T on the coding strand, the complement: MORC2 is on the minus strand). VCF-style: chr22-30935050-G-A. GRCh37 (hg19) VCF-style: chr22-31331037-G-A.
Other names: c.1924C>T, p.Arg642Ter (NM_001303257.2); c.1738C>T, p.Arg580Ter (NM_014941.3); short protein forms R580*, R642*.
Identifiers: ClinVar variation 999634 (VCV000999634.10), dbSNP rs373881103, ClinGen allele CA10186804.

ClinVar aggregate classification (germline): Uncertain significance. Review status: criteria provided, multiple submitters, no conflicts (2 of 4 stars). 2 submissions from 2 submitters: Uncertain significance (2). Last evaluated 2024-02-14.

Conditions:
Charcot-Marie-Tooth disease axonal type 2Z. Also called: CHARCOT-MARIE-TOOTH NEUROPATHY, TYPE 2Z; CHARCOT-MARIE-TOOTH DISEASE, AXONAL, AUTOSOMAL DOMINANT, TYPE 2Z. Identifiers: Orphanet 466768, MedGen C5569025, MONDO:0014736, OMIM 616688.

Allele frequency attached by ClinVar (database versions not stated): gnomAD exomes below 0.00001; ExAC 0.00001; gnomAD 0.00001; TOPMed 0.00001; ESP Exome Variant Server 0.00008.
gnomAD v4.1: 2 of 1,613,924 alleles (0.00012%); highest among the groups gnomAD compares: Non-Finnish European, 0.000085%; no homozygotes.

Submissions (2):

ARUP Laboratories, Molecular Genetics and Genomics, ARUP Laboratories
Classification: Uncertain significance. Last evaluated: 2024-02-14. Review status: criteria provided, single submitter. Criteria: ARUP Molecular Germline Variant Investigation Process 2024. Collection method: clinical testing. Allele origin: germline.
Comment: The MORC2 c.1924C>T; p.Arg642Ter variant (rs373881103), to our knowledge, is not reported in the medical literature but is reported in ClinVar (Variation ID: 999634). This variant is only found on one allele in the Genome Aggregation Database (v2.1.1), indicating it is not a common polymorphism. This variant induces an early termination codon and is predicted to result in a truncated protein or mRNA subject to nonsense-mediated decay. However, loss-of-function MORC2 variants have not yet been established to cause disease. Due to limited information, the clinical significance of this variant is uncertain at this time.

Labcorp Genetics (formerly Invitae), Labcorp
Classification: Uncertain significance for Charcot-Marie-Tooth disease axonal type 2Z. Last evaluated: 2023-05-22. Review status: criteria provided, single submitter. Criteria: Invitae Variant Classification Sherloc (09022015). Collection method: clinical testing. Allele origin: germline.
Comment: In summary, the available evidence is currently insufficient to determine the role of this variant in disease. Therefore, it has been classified as a Variant of Uncertain Significance. ClinVar contains an entry for this variant (Variation ID: 999634). This variant has not been reported in the literature in individuals affected with MORC2-related conditions. This variant is present in population databases (rs373881103, gnomAD 0.0009%). This sequence change creates a premature translational stop signal (p.Arg642*) in the MORC2 gene. It is expected to result in an absent or disrupted protein product. However, the current clinical and genetic evidence is not sufficient to establish whether loss-of-function variants in MORC2 cause disease.